The following is an entry in ClinVar:

NM_000057.4(BLM):c.3922G>T (p.Gly1308Ter)

Gene: BLM (BLM RecQ like helicase; plus strand). Cytogenetic location: 15q26.1.
Variant type: single nucleotide variant.
Coding change: c.3922G>T on transcript NM_000057.4 (MANE Select); coding-DNA position 3922, G replaced by T.
Protein change: p.Gly1308Ter; replaces glycine 1308 with a stop codon.
Molecular consequence: nonsense.
Genome position (GRCh38, 1-based): chr15:90,811,252, G>T. VCF-style: chr15-90811252-G-T. GRCh37 (hg19) VCF-style: chr15-91354482-G-T.
Other names: c.3922G>T, p.Gly1308Ter (NM_001287246.2); c.3529G>T, p.Gly1177Ter (NM_001287247.2); c.2797G>T, p.Gly933Ter (NM_001287248.2); short protein forms G933*, G1177*, G1308*.
Identifiers: ClinVar variation 4735687 (VCV004735687.1).

ClinVar aggregate classification (germline): Pathogenic (1 of 4 stars; one submission).

Conditions:
Bloom syndrome (BLM). Also called: Bloom-Torre-Machacek syndrome. Identifiers: Orphanet 125, MedGen C0005859, MONDO:0008876, OMIM 210900.

gnomAD v4.1: 1 of 1,614,044 alleles (0.000062%); highest among the groups gnomAD compares: Non-Finnish European, 0.000085%; no homozygotes.

Submission:

Labcorp Genetics (formerly Invitae), Labcorp
Classification: Pathogenic for Bloom syndrome. Last evaluated: 2026-01-19. Review status: criteria provided, single submitter. Criteria: Invitae Variant Classification Sherloc (09022015). Collection method: clinical testing. Allele origin: germline.
Comment: This sequence change creates a premature translational stop signal (p.Gly1308*) in the BLM gene. It is expected to result in an absent or disrupted protein product. Loss-of-function variants in BLM are known to be pathogenic (PMID: 17407155). This variant is not present in population databases (gnomAD no frequency). This variant has not been reported in the literature in individuals affected with BLM-related conditions. For these reasons, this variant has been classified as Pathogenic.

Literature cited by the submitters: PubMed 17407155.